The following is an entry in ClinVar:

NM_004656.4(BAP1):c.258_262del (p.Ile87fs)

Gene: BAP1 (BRCA1 associated deubiquitinase 1; minus strand). Cytogenetic location: 3p21.1.
Variant type: Deletion.
Coding change: c.258_262del on transcript NM_004656.4 (MANE Select); coding-DNA positions 258 to 262, 5 bases deleted (GATAC; older notation c.258_262delGATAC).
Protein change: p.Ile87fs; shifts the reading frame from isoleucine 87.
Molecular consequence: frameshift variant.
Genome position (GRCh38, 1-based): chr3:52,408,071-52,408,075, GTATC deleted on the plus strand (GATAC on the coding strand, the reverse complement: BAP1 is on the minus strand). VCF-style (leftmost placement, unchanged base first): chr3-52408070-GGTATC-G. GRCh37 (hg19) VCF-style: chr3-52442086-GGTATC-G.
Other names: c.258_262del, p.Ile87fs (NM_001410772.1); short protein forms I87fs.
Identifiers: ClinVar variation 2450433 (VCV002450433.2), dbSNP rs2471355366, ClinGen allele CA2580070305.

ClinVar aggregate classification (germline): Pathogenic (1 of 4 stars; one submission).

Conditions:
Hereditary cancer-predisposing syndrome. Also called: Neoplastic Syndromes, Hereditary; Tumor predisposition; Hereditary neoplastic syndrome; Hereditary Cancer Syndrome. Identifiers: Orphanet 140162, MedGen C0027672, MeSH D009386, MONDO:0015356.

Submission:

Ambry Genetics
Classification: Pathogenic for Hereditary cancer-predisposing syndrome. Last evaluated: 2023-01-03. Review status: criteria provided, single submitter. Criteria: Ambry Variant Classification Scheme 2023. Collection method: clinical testing. Allele origin: germline.
Comment: The c.258_262delGATAC pathogenic mutation, located in coding exon 5 of the BAP1 gene, results from a deletion of 5 nucleotides at nucleotide positions 258 to 262, causing a translational frameshift with a predicted alternate stop codon (p.I87Qfs*37). This alteration has been observed in at least one individual with a personal and/or family history that is consistent with BAP1-related disease (Ambry internal data). This variant is considered to be rare based on population cohorts in the Genome Aggregation Database (gnomAD). This alteration is expected to result in loss of function by premature protein truncation or nonsense-mediated mRNA decay. As such, this alteration is interpreted as a disease-causing mutation.